The following is an entry in ClinVar:

ClinVar aggregate classification (germline): Conflicting classifications of pathogenicity. Review status: criteria provided, conflicting classifications (1 of 4 stars). 10 submissions from 10 submitters: Uncertain significance (9); Likely benign (1). Last evaluated 2026-08-10.

Conditions:
TTN-related disorder. Also called: TTN-related condition; TTN-related disease; TTN-related disorders.
Cardiovascular phenotype. Identifiers: MedGen CN230736.
Autosomal recessive limb-girdle muscular dystrophy type 2J (LGMDR10). Also called: Limb-girdle muscular dystrophy, type 2J; MUSCULAR DYSTROPHY, LIMB-GIRDLE, AUTOSOMAL RECESSIVE 10. Identifiers: Orphanet 140922, MedGen C1837342, MONDO:0012127, OMIM 608807.
Dilated cardiomyopathy 1G (CMD1G). Identifiers: Orphanet 154, MedGen C1858763, MONDO:0011400, OMIM 604145.
Cardiomyopathy (CMYO). Also called: Cardiomyopathies. Identifiers: Orphanet 167848, MedGen C0878544, MONDO:0004994, HP:0001638. Inheritance: Various modes of inheritance.

Allele frequency attached by ClinVar (database versions not stated): gnomAD 0.00002; TOPMed 0.00002; gnomAD exomes 0.00005 and 0.00007; ExAC 0.00007.
gnomAD v4.1: 80 of 1,613,488 alleles (0.005%); highest among the groups gnomAD compares: Middle Eastern, 0.016%; no homozygotes.

Submissions (10):

PreventionGenetics, part of Exact Sciences
Classification: Uncertain significance for TTN-related condition. Last evaluated: 2026-08-10. Review status: criteria provided, single submitter. Criteria: ACMG Guidelines, 2015. Collection method: clinical testing. Allele origin: germline.
Comment: The TTN c.71789A>T variant is predicted to result in the amino acid substitution p.Lys23930Ile. This variant has been reported in an individual with dilated cardiomyopathy (Table S7, Mazzarotto et al. 2020. PubMed ID: 31983221). This variant is reported in 0.015% of alleles in individuals of European (Non-Finnish) descent in gnomAD. At this time, the clinical significance of this variant is uncertain due to the absence of conclusive functional and genetic evidence.

Molecular Diagnostic Laboratory for Inherited Cardiovascular Disease, Montreal Heart Institute
Classification: Likely benign. Last evaluated: 2025-04-09. Review status: criteria provided, single submitter. Criteria: ACMG Guidelines, 2015. Collection method: clinical testing. Allele origin: germline. Affected: no.

CeGaT Center for Human Genetics Tuebingen
Classification: Uncertain significance. Last evaluated: 2023-09-01. Review status: criteria provided, single submitter. Criteria: CeGaT Center For Human Genetics Tuebingen Variant Classification Criteria Version 2. Collection method: clinical testing. Allele origin: germline. Affected: yes. Observed: 1 variant allele.
Comment: TTN: PM2

CHEO Genetics Diagnostic Laboratory, Children's Hospital of Eastern Ontario
Classification: Uncertain significance for Cardiomyopathy. Last evaluated: 2020-03-26. Review status: criteria provided, single submitter. Criteria: ACMG Guidelines, 2015. Collection method: clinical testing. Allele origin: germline.

Ambry Genetics
Classification: Uncertain significance for Cardiovascular phenotype. Last evaluated: 2020-02-25. Review status: criteria provided, single submitter. Criteria: Ambry Variant Classification Scheme 2023. Collection method: clinical testing. Allele origin: germline.
Comment: The p.K14865I variant (also known as c.44594A>T), located in coding exon 153 of the TTN gene, results from an A to T substitution at nucleotide position 44594. The lysine at codon 14865 is replaced by isoleucine, an amino acid with dissimilar properties. This amino acid position is well conserved in available vertebrate species. In addition, this alteration is predicted to be tolerated by in silico analysis. Since supporting evidence is limited at this time, the clinical significance of this alteration remains unclear.

Revvity Omics, Revvity
Classification: Uncertain significance. Last evaluated: 2019-03-28. Review status: criteria provided, single submitter. Criteria: ACMG Guidelines, 2015. Collection method: clinical testing. Allele origin: germline.

Eurofins Ntd Llc (ga)
Classification: Uncertain significance. Last evaluated: 2017-06-05. Review status: criteria provided, single submitter. Criteria: EGL Classification Definitions 2015. Collection method: clinical testing. Allele origin: germline. Observed: 1 variant allele, 1 heterozygote.

Laboratory for Molecular Medicine, Mass General Brigham Personalized Medicine
Classification: Uncertain significance. Last evaluated: 2016-09-12. Review status: criteria provided, single submitter. Criteria: LMM Criteria. Collection method: clinical testing. Allele origin: germline. Observed: 1 variant allele.
Comment: The p.Lys21362Ile variant in TTN has not been previously reported in individuals with cardiomyopathy but has been identified in 9/66654 European chromosomes by the Exome Aggregation Consortium (ExAC; dbSNP rs 752648041). Computational prediction tools and conservation analysis suggest tha t this variant may impact the protein, though this information is not predictive enough to determine pathogenicity. In summary, the clinical significance of the p.Lys21362Ile variant is uncertain

Labcorp Genetics (formerly Invitae), Labcorp
Classification: Uncertain significance for Dilated cardiomyopathy 1G; Autosomal recessive limb-girdle muscular dystrophy type 2J. Last evaluated: 2016-08-08. Review status: criteria provided, single submitter. Criteria: Invitae Variant Classification Sherloc (09022015). Collection method: clinical testing. Allele origin: germline.

GeneDx
Classification: Uncertain significance. Last evaluated: 2014-02-18. Review status: criteria provided, single submitter. Criteria: GeneDx Variant Classification (06012015). Collection method: clinical testing. Allele origin: germline. Affected: yes.
Comment: Missense variants in the TTN gene are considered 'unclassified' if they are not previously reported in the literature and do not have >1% frequency in the population to be considered a polymorphism. Research indicates that truncating mutations in the TTN gene are expected to account for approximately 25% of familial and 18% of sporadic idiopathic DCM; however, truncating variants in the TTN gene have been reported in approximately 3% of reported control alleles. There has been little investigation into non-truncating variants. (Herman D et al. Truncations of titin causing dilated cardiomyopathy. N Eng J Med 366:619-628, 2012) The variant is found in DCM-CRDM panel(s).

NM_001267550.2(TTN):c.71789A>T (p.Lys23930Ile)

Genes: TTN (titin; minus strand), TTN-AS1 (TTN antisense RNA 1; plus strand). Cytogenetic location: 2q31.2.
Variant type: single nucleotide variant.
Coding change: c.71789A>T on transcript NM_001267550.2 (MANE Select); coding-DNA position 71789, A replaced by T.
Protein change: p.Lys23930Ile; replaces lysine 23930 with isoleucine.
Molecular consequence: missense variant.
Genome position (GRCh38, 1-based): chr2:178,574,343, T>A on the plus strand (A>T on the coding strand, the complement: TTN is on the minus strand). VCF-style: chr2-178574343-T-A. GRCh37 (hg19) VCF-style: chr2-179439070-T-A.
Other names: p.K22289I:AAA>ATA; c.66866A>T, p.Lys22289Ile (NM_001256850.1); c.64085A>T, p.Lys21362Ile (NM_133378.4); c.44594A>T, p.Lys14865Ile (NM_003319.4); c.44969A>T, p.Lys14990Ile (NM_133432.3); c.45170A>T, p.Lys15057Ile (NM_133437.4); short protein forms K22289I, K23930I, K21362I, K14865I, K14990I, K15057I.
Identifiers: ClinVar variation 202835 (VCV000202835.45), dbSNP rs752648041, ClinGen allele CA310433.